The following is an entry in ClinVar:

ClinVar aggregate classification (germline): Uncertain significance (1 of 4 stars; one submission).

Conditions:
Retinitis pigmentosa 12 (RP12). Also called: RP WITH OR WITHOUT PRESERVED PARAARTERIOLE RETINAL PIGMENT EPITHELIUM; RETINITIS PIGMENTOSA WITH OR WITHOUT PARAARTERIOLAR PRESERVATION OF RETINAL PIGMENT EPITHELIUM; RP WITH OR WITHOUT PPRPE. Identifiers: Orphanet 791, MedGen C1838647, MONDO:0010818, OMIM 600105.
Leber congenital amaurosis 8 (LCA8). Identifiers: Orphanet 65, MedGen C3151202, MONDO:0013453, OMIM 613835.

Submission:

Labcorp Genetics (formerly Invitae), Labcorp
Classification: Uncertain significance for Leber congenital amaurosis 8; Retinitis pigmentosa 12. Last evaluated: 2021-08-28. Review status: criteria provided, single submitter. Criteria: Invitae Variant Classification Sherloc (09022015). Collection method: clinical testing. Allele origin: germline.
Comment: This sequence change replaces glutamine with leucine at codon 80 of the CRB1 protein (p.Gln80Leu). The glutamine residue is highly conserved and there is a moderate physicochemical difference between glutamine and leucine. This variant is not present in population databases (ExAC no frequency). This variant has not been reported in the literature in individuals affected with CRB1-related conditions. Algorithms developed to predict the effect of missense changes on protein structure and function (SIFT, PolyPhen-2, Align-GVGD) all suggest that this variant is likely to be tolerated. In summary, the available evidence is currently insufficient to determine the role of this variant in disease. Therefore, it has been classified as a Variant of Uncertain Significance.

NM_201253.3(CRB1):c.239A>T (p.Gln80Leu)

Gene: CRB1 (crumbs cell polarity complex component 1; plus strand). Cytogenetic location: 1q31.3.
Variant type: single nucleotide variant.
Coding change: c.239A>T on transcript NM_201253.3 (MANE Select); coding-DNA position 239, A replaced by T.
Protein change: p.Gln80Leu; replaces glutamine 80 with leucine.
Molecular consequence: missense variant. On other transcripts: non-coding transcript variant (2).
Genome position (GRCh38, 1-based): chr1:197,328,590, A>T. VCF-style: chr1-197328590-A-T. GRCh37 (hg19) VCF-style: chr1-197297720-A-T.
Other names: c.239A>T, p.Gln80Leu (NM_001193640.2, NM_001257966.2); c.32A>T, p.Gln11Leu (NM_001257965.2); short protein forms Q80L, Q11L.
Identifiers: ClinVar variation 1039568 (VCV001039568.6), dbSNP rs1658660906, ClinGen allele CA344085344.